The following is an entry in ClinVar:

NM_000128.4(F11):c.295del (p.Ser99fs)

Gene: F11 (coagulation factor XI; plus strand). Cytogenetic location: 4q35.2.
Variant type: Deletion.
Coding change: c.295del on transcript NM_000128.4 (MANE Select); coding-DNA position 295, one base deleted (T; older notation c.295delT).
Protein change: p.Ser99fs; shifts the reading frame from serine 99.
Molecular consequence: frameshift variant.
Genome position (GRCh38, 1-based): chr4:186,273,147, T deleted; the last of 2 consecutive T bases (chr4:186,273,146-186,273,147); deleting either gives the same sequence. VCF-style (leftmost placement, unchanged base first): chr4-186273145-AT-A. GRCh37 (hg19) VCF-style: chr4-187194299-AT-A.
Other names: p.Ser99Leufs*9; c.295del, p.Ser99fs (NM_001354804.2); short protein forms S99fs.
Identifiers: ClinVar variation 3380991 (VCV003380991.1).

ClinVar aggregate classification (germline): Likely pathogenic (1 of 4 stars; one submission).

Submission:

Mayo Clinic Laboratories, Mayo Clinic
Classification: Likely pathogenic. Last evaluated: 2024-02-15. Review status: criteria provided, single submitter. Criteria: ACMG Guidelines, 2015. Collection method: clinical testing. Allele origin: germline. Observed: 1 variant allele.
Comment: PM2_moderate, PVS1